The following is an entry in ClinVar:

NM_001351132.2(PEX5):c.1565A>G (p.Tyr522Cys)

Gene: PEX5 (peroxisomal biogenesis factor 5; plus strand). Cytogenetic location: 12p13.31.
Variant type: single nucleotide variant.
Coding change: c.1565A>G on transcript NM_001351132.2 (MANE Select); coding-DNA position 1565, A replaced by G.
Protein change: p.Tyr522Cys; replaces tyrosine 522 with cysteine.
Molecular consequence: missense variant.
Genome position (GRCh38, 1-based): chr12:7,209,687, A>G. VCF-style: chr12-7209687-A-G. GRCh37 (hg19) VCF-style: chr12-7362283-A-G.
Other names: c.1541A>G, p.Tyr514Cys (NM_000319.5); c.1610A>G, p.Tyr537Cys (NM_001131023.2); c.1454A>G, p.Tyr485Cys (NM_001131024.2, NM_001351124.3, NM_001351126.2 and 7 more transcripts); c.1565A>G, p.Tyr522Cys (NM_001131025.2, NM_001131026.2, NM_001300789.3 and 4 more transcripts); c.1499A>G, p.Tyr500Cys (NM_001351135.3, NM_001351138.2); c.1556A>G, p.Tyr519Cys (NM_001351136.2); c.1430A>G, p.Tyr477Cys (NM_001351139.2, NM_001351140.2, NM_001374649.2); c.1565A>G (NM_001131025.1); short protein forms Y537C, Y477C, Y500C, Y485C, Y522C, Y514C, Y519C.
Identifiers: ClinVar variation 1396047 (VCV001396047.6), dbSNP rs1205322300, ClinGen allele CA383737626.

ClinVar aggregate classification (germline): Uncertain significance. Review status: criteria provided, multiple submitters, no conflicts (2 of 4 stars). 2 submissions from 2 submitters: Uncertain significance (2). Last evaluated 2026-01-09.

Conditions:
Peroxisome biogenesis disorder 2B (PBD2B). Identifiers: Orphanet 44, MedGen C3550234, MONDO:0008736, OMIM 202370.
Inborn genetic diseases. Identifiers: MedGen C0950123, MeSH D030342.

Allele frequency attached by ClinVar (database versions not stated): gnomAD exomes 0.00001.

Submissions (2):

Labcorp Genetics (formerly Invitae), Labcorp
Classification: Uncertain significance for Peroxisome biogenesis disorder 2B. Last evaluated: 2026-01-09. Review status: criteria provided, single submitter. Criteria: Invitae Variant Classification Sherloc (09022015). Collection method: clinical testing. Allele origin: germline.
Comment: This sequence change replaces tyrosine, which is neutral and polar, with cysteine, which is neutral and slightly polar, at codon 522 of the PEX5 protein (p.Tyr522Cys). This variant is not present in population databases (gnomAD no frequency). This variant has not been reported in the literature in individuals affected with PEX5-related conditions. ClinVar contains an entry for this variant (Variation ID: 1396047). Invitae Evidence Modeling of protein sequence and biophysical properties (such as structural, functional, and spatial information, amino acid conservation, physicochemical variation, residue mobility, and thermodynamic stability) indicates that this missense variant is not expected to disrupt PEX5 protein function with a negative predictive value of 80%. In summary, the available evidence is currently insufficient to determine the role of this variant in disease. Therefore, it has been classified as a Variant of Uncertain Significance.

Ambry Genetics
Classification: Uncertain significance for Inborn genetic diseases. Last evaluated: 2022-11-18. Review status: criteria provided, single submitter. Criteria: Ambry Variant Classification Scheme 2023. Collection method: clinical testing. Allele origin: germline.